The following is an entry in ClinVar:

NM_001042492.3(NF1):c.7992G>T (p.Lys2664Asn)

Gene: NF1 (neurofibromin 1; plus strand). Cytogenetic location: 17q11.2.
Variant type: single nucleotide variant.
Coding change: c.7992G>T on transcript NM_001042492.3 (MANE Select); coding-DNA position 7992, G replaced by T.
Protein change: p.Lys2664Asn; replaces lysine 2664 with asparagine.
Molecular consequence: missense variant.
Genome position (GRCh38, 1-based): chr17:31,358,501, G>T. VCF-style: chr17-31358501-G-T. GRCh37 (hg19) VCF-style: chr17-29685519-G-T.
Other names: c.7929G>T, p.Lys2643Asn (NM_000267.4); short protein forms K2643N, K2664N.
Identifiers: ClinVar variation 2452278 (VCV002452278.2), dbSNP rs1060500377, ClinGen allele CA399203630.

ClinVar aggregate classification (germline): Uncertain significance (1 of 4 stars; one submission).

Conditions:
Hereditary cancer-predisposing syndrome. Also called: Neoplastic Syndromes, Hereditary; Tumor predisposition; Hereditary neoplastic syndrome; Hereditary Cancer Syndrome. Identifiers: Orphanet 140162, MedGen C0027672, MeSH D009386, MONDO:0015356.
Cardiovascular phenotype. Identifiers: MedGen CN230736.

Submission:

Ambry Genetics
Classification: Uncertain significance for Cardiovascular phenotype; Hereditary cancer-predisposing syndrome. Last evaluated: 2023-01-12. Review status: criteria provided, single submitter. Criteria: Ambry Variant Classification Scheme 2023. Collection method: clinical testing. Allele origin: germline.
Comment: The p.K2643N variant (also known as c.7929G>T), located in coding exon 54 of the NF1 gene, results from a G to T substitution at nucleotide position 7929. The lysine at codon 2643 is replaced by asparagine, an amino acid with similar properties. This amino acid position is conserved. In addition, this alteration is predicted to be tolerated by in silico analysis. Since supporting evidence is limited at this time, the clinical significance of this alteration remains unclear.